The following is an entry in ClinVar:

NM_018979.4(WNK1):c.1811A>T (p.Lys604Met)

Gene: WNK1 (WNK lysine deficient protein kinase 1; plus strand). Cytogenetic location: 12p13.33.
Variant type: single nucleotide variant.
Coding change: c.1811A>T on transcript NM_018979.4 (MANE Select); coding-DNA position 1811, A replaced by T.
Protein change: p.Lys604Met; replaces lysine 604 with methionine.
Molecular consequence: missense variant.
Genome position (GRCh38, 1-based): chr12:861,203, A>T. VCF-style: chr12-861203-A-T. GRCh37 (hg19) VCF-style: chr12-970369-A-T.
Other names: c.1811A>T, p.Lys604Met (NM_001184985.2, NM_014823.3, NM_213655.5); short protein forms K604M.
Identifiers: ClinVar variation 1371804 (VCV001371804.6), dbSNP rs764368160, ClinGen allele CA383335365.
Genomic context (GRCh38, chr12:861,203, plus strand): 5'-AGGAAGAGAGCAGTCTCAAACAGCAGGTAGAACAATCCAGTGCTTCCCAGACAGGAATCA[A>T]GCAGCTCCCTTCTGCTAGCACCGGCATACCTACTGCTTCTACCACTTCAGCTTCAGTTTC-3'
Protein context (NP_061852.3, residues 594-614): EQSSASQTGI[Lys604Met]QLPSASTGIP

ClinVar aggregate classification (germline): Uncertain significance (1 of 4 stars; one submission).

Conditions:
Neuropathy, hereditary sensory and autonomic, type 2A (HSAN2A). Also called: ACROOSTEOLYSIS, GIACCAI TYPE; ACROOSTEOLYSIS, NEUROGENIC; MORVAN DISEASE; NEUROPATHY, CONGENITAL SENSORY; NEUROPATHY, HEREDITARY SENSORY RADICULAR, AUTOSOMAL RECESSIVE; NEUROPATHY, HEREDITARY SENSORY, TYPE IIA. Identifiers: Orphanet 970, MedGen C2752089, MONDO:0024309, OMIM 201300.
Pseudohypoaldosteronism type 2C (PHA2C). Also called: Pseudohypoaldosteronism Type IIC. Identifiers: Orphanet 757, Orphanet 88940, MedGen C1840391, MONDO:0013778, OMIM 614492.

gnomAD v4.1: 17 of 1,614,114 alleles (0.0011%); highest among the groups gnomAD compares: East Asian, 0.038%; no homozygotes.

Submission:

Labcorp Genetics (formerly Invitae), Labcorp
Classification: Uncertain significance for Neuropathy, hereditary sensory and autonomic, type 2A; Pseudohypoaldosteronism type 2C. Last evaluated: 2021-08-23. Review status: criteria provided, single submitter. Criteria: Invitae Variant Classification Sherloc (09022015). Collection method: clinical testing. Allele origin: germline.
Comment: This sequence change replaces lysine with methionine at codon 604 of the WNK1 protein (p.Lys604Met). The lysine residue is moderately conserved and there is a moderate physicochemical difference between lysine and methionine. This variant is not present in population databases (ExAC no frequency). This variant has not been reported in the literature in individuals affected with WNK1-related conditions. Advanced modeling of protein sequence and biophysical properties (such as structural, functional, and spatial information, amino acid conservation, physicochemical variation, residue mobility, and thermodynamic stability) performed at Invitae indicates that this missense variant is not expected to disrupt WNK1 protein function. In summary, the available evidence is currently insufficient to determine the role of this variant in disease. Therefore, it has been classified as a Variant of Uncertain Significance.